The following is an entry in ClinVar:

ClinVar aggregate classification (germline): Uncertain significance. Review status: criteria provided, multiple submitters, no conflicts (2 of 4 stars). 2 submissions from 2 submitters: Uncertain significance (2). Last evaluated 2026-07-16.

Conditions:
Hereditary cancer-predisposing syndrome. Also called: Tumor predisposition; Hereditary neoplastic syndrome; Neoplastic Syndromes, Hereditary; Hereditary Cancer Syndrome. Identifiers: Orphanet 140162, MedGen C0027672, MeSH D009386, MONDO:0015356.
Tuberous sclerosis 2 (TSC2). Identifiers: Orphanet 805, MedGen C1860707, MONDO:0013199, OMIM 613254.

Submissions (2):

Ambry Genetics
Classification: Uncertain significance for Hereditary cancer-predisposing syndrome. Last evaluated: 2026-07-16. Review status: criteria provided, single submitter. Criteria: Ambry Variant Classification Scheme 2023. Collection method: clinical testing. Allele origin: germline.
Comment: The p.R1745L variant (also known as c.5234G>T), located in coding exon 40 of the TSC2 gene, results from a G to T substitution at nucleotide position 5234. The arginine at codon 1745 is replaced by leucine, an amino acid with dissimilar properties. This amino acid position is highly conserved in available vertebrate species. In addition, this alteration is predicted to be deleterious by in silico analysis. Based on the available evidence, the clinical significance of this variant remains unclear.

Labcorp Genetics (formerly Invitae), Labcorp
Classification: Uncertain significance for Tuberous sclerosis 2. Last evaluated: 2025-07-28. Review status: criteria provided, single submitter. Criteria: Invitae Variant Classification Sherloc (09022015). Collection method: clinical testing. Allele origin: germline.
Comment: This sequence change replaces arginine, which is basic and polar, with leucine, which is neutral and non-polar, at codon 1745 of the TSC2 protein (p.Arg1745Leu). This variant is not present in population databases (gnomAD no frequency). This variant has not been reported in the literature in individuals affected with TSC2-related conditions. ClinVar contains an entry for this variant (Variation ID: 837725). Invitae Evidence Modeling of protein sequence and biophysical properties (such as structural, functional, and spatial information, amino acid conservation, physicochemical variation, residue mobility, and thermodynamic stability) indicates that this missense variant is expected to disrupt TSC2 protein function with a positive predictive value of 80%. In summary, the available evidence is currently insufficient to determine the role of this variant in disease. Therefore, it has been classified as a Variant of Uncertain Significance.

NM_000548.5(TSC2):c.5234G>T (p.Arg1745Leu)

Gene: TSC2 (TSC complex subunit 2; plus strand). Cytogenetic location: 16p13.3.
Variant type: single nucleotide variant.
Coding change: c.5234G>T on transcript NM_000548.5 (MANE Select); coding-DNA position 5234, G replaced by T.
Protein change: p.Arg1745Leu; replaces arginine 1745 with leucine.
Molecular consequence: missense variant.
Genome position (GRCh38, 1-based): chr16:2,088,300, G>T. VCF-style: chr16-2088300-G-T. GRCh37 (hg19) VCF-style: chr16-2138301-G-T.
Other names: c.5033G>T, p.Arg1678Leu (NM_001077183.3); c.5165G>T, p.Arg1722Leu (NM_001114382.3); c.4925G>T, p.Arg1642Leu (NM_001318827.2); c.4889G>T, p.Arg1630Leu (NM_001318829.2); c.4502G>T, p.Arg1501Leu (NM_001318831.2); c.5066G>T, p.Arg1689Leu (NM_001318832.2); c.5036G>T, p.Arg1679Leu (NM_001363528.2); c.5102G>T, p.Arg1701Leu (NM_001370404.1); and 2 more; short protein forms R1678L, R1722L, R1630L, R1642L, R1679L, R1698L, R1701L, R1501L.
Identifiers: ClinVar variation 837725 (VCV000837725.11), dbSNP rs766093661, ClinGen allele CA394314591.